The following is an entry in ClinVar:

NM_001242896.3(DEPDC5):c.1287+1G>T

Gene: DEPDC5 (DEP domain containing 5, GATOR1 subcomplex subunit; plus strand). Cytogenetic location: 22q12.3.
Variant type: single nucleotide variant.
Coding change: c.1287+1G>T on transcript NM_001242896.3 (MANE Select); the canonical splice donor site of the intron after coding-DNA position 1287, G replaced by T.
Molecular consequence: splice donor variant.
Genome position (GRCh38, 1-based): chr22:31,806,192, G>T. VCF-style: chr22-31806192-G-T. GRCh37 (hg19) VCF-style: chr22-32202178-G-T.
Other names: c.1287+1G>T (NM_001364318.2, NM_001136029.4, NM_014662.6 and 7 more transcripts); c.1203+1G>T (NM_001369902.1, NM_001369901.1).
Identifiers: ClinVar variation 4713579 (VCV004713579.1).

ClinVar aggregate classification (germline): Likely pathogenic (1 of 4 stars; one submission).

Conditions:
Familial focal epilepsy with variable foci (FPEVF). Identifiers: Orphanet 98820, MedGen C1858477, MONDO:0020310.

Submission:

Labcorp Genetics (formerly Invitae), Labcorp
Classification: Likely pathogenic for Familial focal epilepsy with variable foci. Last evaluated: 2025-02-20. Review status: criteria provided, single submitter. Criteria: Invitae Variant Classification Sherloc (09022015). Collection method: clinical testing. Allele origin: germline.
Comment: This sequence change affects a donor splice site in intron 18 of the DEPDC5 gene. It is expected to disrupt RNA splicing. Variants that disrupt the donor or acceptor splice site typically lead to a loss of protein function (PMID: 16199547), and loss-of-function variants in DEPDC5 are known to be pathogenic (PMID: 23542697, 23542701). This variant is not present in population databases (gnomAD no frequency). This variant has not been reported in the literature in individuals affected with DEPDC5-related conditions. Algorithms developed to predict the effect of sequence changes on RNA splicing suggest that this variant may disrupt the consensus splice site. In summary, the currently available evidence indicates that the variant is pathogenic, but additional data are needed to prove that conclusively. Therefore, this variant has been classified as Likely Pathogenic.

Literature cited by the submitters: PubMed 16199547; PubMed 23542697; PubMed 23542701.